The following is an entry in ClinVar:

ClinVar aggregate classification (germline): Uncertain significance. Review status: criteria provided, multiple submitters, no conflicts (2 of 4 stars). 2 submissions from 2 submitters: Uncertain significance (2). Last evaluated 2024-07-31.

Conditions:
RASopathy. Also called: rasopathies; Noonan spectrum disorder. Identifiers: Orphanet 536391, MedGen C5555857, MONDO:0021060.

Allele frequency attached by ClinVar (database versions not stated): ExAC 0.00002.
gnomAD v4.1: 22 of 1,601,154 alleles (0.0014%); highest among the groups gnomAD compares: East Asian, 0.0023%; no homozygotes.

Submissions (2):

Labcorp Genetics (formerly Invitae), Labcorp
Classification: Uncertain significance for RASopathy. Last evaluated: 2024-07-31. Review status: criteria provided, single submitter. Criteria: Invitae Variant Classification Sherloc (09022015). Collection method: clinical testing. Allele origin: germline.
Comment: This sequence change replaces serine, which is neutral and polar, with glycine, which is neutral and non-polar, at codon 12 of the SOS1 protein (p.Ser12Gly). The frequency data for this variant in the population databases is considered unreliable, as metrics indicate poor data quality at this position in the gnomAD database. This variant has not been reported in the literature in individuals affected with SOS1-related conditions. ClinVar contains an entry for this variant (Variation ID: 2148186). Advanced modeling of protein sequence and biophysical properties (such as structural, functional, and spatial information, amino acid conservation, physicochemical variation, residue mobility, and thermodynamic stability) has been performed at Invitae for this missense variant, however the output from this modeling did not meet the statistical confidence thresholds required to predict the impact of this variant on SOS1 protein function. In summary, the available evidence is currently insufficient to determine the role of this variant in disease. Therefore, it has been classified as a Variant of Uncertain Significance.

Women's Health and Genetics/Laboratory Corporation of America, LabCorp
Classification: Uncertain significance. Last evaluated: 2023-12-20. Review status: criteria provided, single submitter. Criteria: LabCorp Variant Classification Summary - May 2015. Collection method: clinical testing. Allele origin: germline.
Comment: Variant summary: SOS1 c.34A>G (p.Ser12Gly) results in a non-conservative amino acid change in the encoded protein sequence. Three of five in-silico tools predict a benign effect of the variant on protein function. The variant allele was found at a frequency of 8.6e-06 in 232406 control chromosomes. The available data on variant occurrences in the general population are insufficient to allow any conclusion about variant significance. To our knowledge, no occurrence of c.34A>G in individuals affected with Noonan Syndrome And Related Conditions and no experimental evidence demonstrating its impact on protein function have been reported. One submitter has cited clinical-significance assessments for this variant to ClinVar after 2014 and has classified the variant as uncertain significance. Based on the evidence outlined above, the variant was classified as uncertain significance.

NM_005633.4(SOS1):c.34A>G (p.Ser12Gly)

Genes: SOS1 (SOS Ras/Rac guanine nucleotide exchange factor 1; minus strand), LOC129933535 (ATAC-STARR-seq lymphoblastoid silent region 11384; plus strand). Cytogenetic location: 2p22.1.
Variant type: single nucleotide variant.
Coding change: c.34A>G on transcript NM_005633.4 (MANE Select); coding-DNA position 34, A replaced by G.
Protein change: p.Ser12Gly; replaces serine 12 with glycine.
Molecular consequence: missense variant. On other transcripts: intron variant (1).
Genome position (GRCh38, 1-based): chr2:39,120,389, T>C on the plus strand (A>G on the coding strand, the complement: SOS1 is on the minus strand). VCF-style: chr2-39120389-T-C. GRCh37 (hg19) VCF-style: chr2-39347530-T-C.
Other names: c.34A>G, p.Ser12Gly (NM_001382395.1); c.66+4275A>G (NM_001382394.1); short protein forms S12G.
Identifiers: ClinVar variation 2148186 (VCV002148186.5), dbSNP rs751776207, ClinGen allele CA1624898.